The following is an entry in ClinVar:

ClinVar aggregate classification (germline): Likely benign (1 of 4 stars; one submission).

Submission:

CeGaT Center for Human Genetics Tuebingen
Classification: Likely benign. Last evaluated: 2025-03-01. Review status: criteria provided, single submitter. Criteria: CeGaT Center For Human Genetics Tuebingen Variant Classification Criteria Version 2. Collection method: clinical testing. Allele origin: germline. Affected: yes. Observed: 1 variant allele.
Comment: NBEA: PM2:Supporting, BP4, BP7

NM_001385012.1(NBEA):c.3156A>G (p.Val1052=)

Gene: NBEA (neurobeachin; plus strand). Cytogenetic location: 13q13.3.
Variant type: single nucleotide variant.
Coding change: c.3156A>G on transcript NM_001385012.1 (MANE Select); coding-DNA position 3156, A replaced by G.
Protein change: p.Val1052=; no amino-acid change (valine 1052 retained).
Molecular consequence: synonymous variant.
Genome position (GRCh38, 1-based): chr13:35,159,327, A>G. VCF-style: chr13-35159327-A-G. GRCh37 (hg19) VCF-style: chr13-35733464-A-G.
Other names: c.3156A>G, p.Val1052= (NM_001379245.1, NM_015678.5).
Identifiers: ClinVar variation 3777929 (VCV003777929.7).
Genomic context (GRCh38, chr13:35,159,327, plus strand): 5'-AGTGTCAGATGATATTCTTGGAAATTCAGATAGACCAGGAAGTGGTGTACATGTGGAAGT[A>G]CATGATCTTTTAGTAGATATAAAAGCAGAGAAAGTGGAAGCAACAGAAGTAAAGCTCGAT-3'
Protein context (NP_001371941.1, residues 1042-1062): DRPGSGVHVE[Val1052=]HDLLVDIKAE